The following is an entry in ClinVar:

ClinVar aggregate classification (germline): Uncertain significance (1 of 4 stars; one submission).

Conditions:
Gorlin syndrome. Also called: Nevoid Basal Cell Carcinoma Syndrome; Basal cell nevus syndrome. Identifiers: Orphanet 377, MedGen C0004779, MONDO:0007187.

Submission:

Labcorp Genetics (formerly Invitae), Labcorp
Classification: Uncertain significance for Gorlin syndrome. Last evaluated: 2022-01-28. Review status: criteria provided, single submitter. Criteria: Invitae Variant Classification Sherloc (09022015). Collection method: clinical testing. Allele origin: germline.
Comment: In summary, the available evidence is currently insufficient to determine the role of this variant in disease. Therefore, it has been classified as a Variant of Uncertain Significance. Algorithms developed to predict the effect of sequence changes on RNA splicing suggest that this variant may create or strengthen a splice site. This variant has not been reported in the literature in individuals affected with PTCH2-related conditions. This variant is not present in population databases (gnomAD no frequency). This sequence change creates a premature translational stop signal (p.Lys889Ilefs*107) in the PTCH2 gene. It is expected to result in an absent or disrupted protein product. However, the current clinical and genetic evidence is not sufficient to establish whether loss-of-function variants in PTCH2 cause disease.

NM_003738.5(PTCH2):c.2665_2666insTTCAGGGG (p.Lys889fs)

Gene: PTCH2 (patched 2; minus strand). Cytogenetic location: 1p34.1.
Variant type: Insertion.
Coding change: c.2665_2666insTTCAGGGG on transcript NM_003738.5 (MANE Select); coding-DNA positions 2665 to 2666, TTCAGGGG inserted.
Protein change: p.Lys889fs; shifts the reading frame from lysine 889.
Molecular consequence: frameshift variant.
Genome position: GRCh38 VCF-style: chr1-44826931-T-TCCCCTGAA. GRCh37 (hg19) VCF-style: chr1-45292603-T-TCCCCTGAA.
Other names: c.2665_2666insTTCAGGGG, p.Lys889fs (NM_001166292.2); short protein forms K889fs.
Identifiers: ClinVar variation 1464227 (VCV001464227.6), dbSNP rs2148874605, ClinGen allele CA2573132344.